The following is an entry in ClinVar:

ClinVar aggregate classification (germline): Uncertain significance (1 of 4 stars; one submission).

Allele frequency attached by ClinVar (database versions not stated): ExAC 0.00002; gnomAD exomes 0.00002; TOPMed 0.00002.

Submission:

Labcorp Genetics (formerly Invitae), Labcorp
Classification: Uncertain significance. Last evaluated: 2022-08-05. Review status: criteria provided, single submitter. Criteria: Invitae Variant Classification Sherloc (09022015). Collection method: clinical testing. Allele origin: germline.
Comment: This sequence change replaces arginine, which is basic and polar, with cysteine, which is neutral and slightly polar, at codon 3592 of the PCLO protein (p.Arg3592Cys). This variant is present in population databases (rs765033421, gnomAD 0.006%). This variant has not been reported in the literature in individuals affected with PCLO-related conditions. Algorithms developed to predict the effect of missense changes on protein structure and function are either unavailable or do not agree on the potential impact of this missense change (SIFT: "Deleterious"; PolyPhen-2: "Not Available"; Align-GVGD: "Class C0"). In summary, the available evidence is currently insufficient to determine the role of this variant in disease. Therefore, it has been classified as a Variant of Uncertain Significance.

NM_033026.6(PCLO):c.10774C>T (p.Arg3592Cys)

Gene: PCLO (piccolo presynaptic cytomatrix protein; minus strand). Cytogenetic location: 7q21.11.
Variant type: single nucleotide variant.
Coding change: c.10774C>T on transcript NM_033026.6 (MANE Select); coding-DNA position 10774, C replaced by T.
Protein change: p.Arg3592Cys; replaces arginine 3592 with cysteine.
Molecular consequence: missense variant.
Genome position (GRCh38, 1-based): chr7:82,949,814, G>A on the plus strand (C>T on the coding strand, the complement: PCLO is on the minus strand). VCF-style: chr7-82949814-G-A. GRCh37 (hg19) VCF-style: chr7-82579130-G-A.
Other names: c.10774C>T, p.Arg3592Cys (NM_014510.3); short protein forms R3592C.
Identifiers: ClinVar variation 1895634 (VCV001895634.2), dbSNP rs765033421, ClinGen allele CA4319685.
Genomic context (GRCh38, chr7:82,949,814, plus strand): 5'-GCTGTACTGTGGAATCTGCCCGGAGGTGAGATGAATAACCAATCTCTAAAGGTGTTGGGC[G>A]TTTCTTGTCTTTGGGTGGAGATGTGGCACTCAGATATTGAGGACTTTGTGTGTCTGAATC-3'
Protein context (NP_149015.2, residues 3582-3602): SATSPPKDKK[Arg3592Cys]PTPLEIGYSS